The following is an entry in ClinVar:

NM_145725.3(TRAF3):c.86C>T (p.Thr29Met)

Gene: TRAF3 (TNF receptor associated factor 3; plus strand). Cytogenetic location: 14q32.32.
Variant type: single nucleotide variant.
Coding change: c.86C>T on transcript NM_145725.3 (MANE Select); coding-DNA position 86, C replaced by T.
Protein change: p.Thr29Met; replaces threonine 29 with methionine.
Molecular consequence: missense variant.
Genome position (GRCh38, 1-based): chr14:102,870,287, C>T. VCF-style: chr14-102870287-C-T. GRCh37 (hg19) VCF-style: chr14-103336624-C-T.
Other names: c.86C>T, p.Thr29Met (NM_001199427.2, NM_001385142.1, NM_001385143.1 and 2 more transcripts); short protein forms T29M.
Identifiers: ClinVar variation 1501789 (VCV001501789.12), dbSNP rs547180445, ClinGen allele CA7359154.

ClinVar aggregate classification (germline): Uncertain significance. Review status: criteria provided, multiple submitters, no conflicts (2 of 4 stars). 2 submissions from 2 submitters: Uncertain significance (2). Last evaluated 2026-01-01.

Conditions:
Immunodeficiency 132A. Also called: Herpes simplex encephalitis, susceptibility to, 3. Identifiers: Orphanet 1930, MedGen C3553868, MONDO:0013920, OMIM 614849.

Allele frequency attached by ClinVar (database versions not stated): gnomAD 0.00002 and 0.00001; ExAC 0.00009; 1000 Genomes Project 30x 0.00016; TOPMed 0.00006; gnomAD exomes 0.00002 and 0.00007; 1000 Genomes Project 0.00020.
gnomAD v4.1: 38 of 1,614,182 alleles (0.0024%); highest among the groups gnomAD compares: Admixed American, 0.018%; no homozygotes.

Submissions (2):

CeGaT Center for Human Genetics Tuebingen
Classification: Uncertain significance. Last evaluated: 2026-01-01. Review status: criteria provided, single submitter. Criteria: CeGaT Center For Human Genetics Tuebingen Variant Classification Criteria Version 2. Collection method: clinical testing. Allele origin: germline. Affected: yes. Observed: 1 variant allele.
Comment: TRAF3: PM2, BP4

Labcorp Genetics (formerly Invitae), Labcorp
Classification: Uncertain significance for Immunodeficiency 132A. Last evaluated: 2025-12-22. Review status: criteria provided, single submitter. Criteria: Invitae Variant Classification Sherloc (09022015). Collection method: clinical testing. Allele origin: germline.
Comment: This sequence change replaces threonine, which is neutral and polar, with methionine, which is neutral and non-polar, at codon 29 of the TRAF3 protein (p.Thr29Met). This variant is present in population databases (rs547180445, gnomAD 0.02%). This variant has not been reported in the literature in individuals affected with TRAF3-related conditions. ClinVar contains an entry for this variant (Variation ID: 1501789). An algorithm developed to predict the effect of missense changes on protein structure and function (PolyPhen-2) suggests that this variant is likely to be tolerated. In summary, the available evidence is currently insufficient to determine the role of this variant in disease. Therefore, it has been classified as a Variant of Uncertain Significance.